The following is an entry in ClinVar:

ClinVar aggregate classification (germline): Uncertain significance (1 of 4 stars; one submission).

Conditions:
Hereditary cancer-predisposing syndrome. Also called: Neoplastic Syndromes, Hereditary; Tumor predisposition; Hereditary neoplastic syndrome; Hereditary Cancer Syndrome. Identifiers: Orphanet 140162, MedGen C0027672, MeSH D009386, MONDO:0015356.

Allele frequency attached by ClinVar (database versions not stated): gnomAD exomes below 0.00001.
gnomAD v4.1: 1 of 741,244 alleles (0.00013%); highest among the groups gnomAD compares: South Asian, 0.0015%; no homozygotes.

Submission:

Ambry Genetics
Classification: Uncertain significance for Hereditary cancer-predisposing syndrome. Last evaluated: 2024-01-30. Review status: criteria provided, single submitter. Criteria: Ambry Variant Classification Scheme 2023. Collection method: clinical testing. Allele origin: germline.
Comment: The c.1063-129A>G intronic variant results from an A to G substitution 129 nucleotides upstream from coding exon 7 in the FLCN gene. This nucleotide position is not well conserved in available vertebrate species. In silico splice site analysis predicts that this alteration will result in the creation or strengthening of a novel splice donor site. RNA studies have demonstrated that this alteration results in a splice defect; the clinical impact of this abnormal splicing is unknown at this time (Ambry internal data). Based on the available evidence, the clinical significance of this alteration remains unclear.

NM_144997.7(FLCN):c.1063-129A>G

Gene: FLCN (folliculin; minus strand). Cytogenetic location: 17p11.2.
Variant type: single nucleotide variant.
Coding change: c.1063-129A>G on transcript NM_144997.7 (MANE Select); 129 bases into the intron before coding-DNA position 1063, A replaced by G.
Molecular consequence: intron variant.
Genome position (GRCh38, 1-based): chr17:17,217,311, T>C on the plus strand (A>G on the coding strand, the complement: FLCN is on the minus strand). VCF-style: chr17-17217311-T-C. GRCh37 (hg19) VCF-style: chr17-17120625-T-C.
Other names: c.1063-129A>G (NM_001353231.2, NM_001353230.2); c.1117-129A>G (NM_001353229.2).
Identifiers: ClinVar variation 3229223 (VCV003229223.1), dbSNP rs2544175876, ClinGen allele CA2636352735.
Genomic context (GRCh38, chr17:17,217,311, plus strand): 5'-TTATTTGTGTGTTCATAAAACTTTGTAGAGCAAAGACAGGGCTCAGGAGAAAGACACTTA[T>C]CTTCTCAGGGAGGCGGGTGCCCGGCCCAGGGTTAAAGGGGCAGAGAGAGAAGTTCCAGGT-3'